The following is an entry in ClinVar:

ClinVar aggregate classification (germline): Likely benign (1 of 4 stars; one submission).

gnomAD v4.1: 1 of 1,613,092 alleles (0.000062%); highest among the groups gnomAD compares: Non-Finnish European, 0.000085%; no homozygotes.

Submission:

CeGaT Center for Human Genetics Tuebingen
Classification: Likely benign. Last evaluated: 2024-09-01. Review status: criteria provided, single submitter. Criteria: CeGaT Center For Human Genetics Tuebingen Variant Classification Criteria Version 2. Collection method: clinical testing. Allele origin: germline. Affected: yes. Observed: 1 variant allele.
Comment: KMT2D: BP4

NM_003482.4(KMT2D):c.10039A>C (p.Met3347Leu)

Gene: KMT2D (lysine methyltransferase 2D; minus strand). Cytogenetic location: 12q13.12.
Variant type: single nucleotide variant.
Coding change: c.10039A>C on transcript NM_003482.4 (MANE Select); coding-DNA position 10039, A replaced by C.
Protein change: p.Met3347Leu; replaces methionine 3347 with leucine.
Molecular consequence: missense variant.
Genome position (GRCh38, 1-based): chr12:49,037,317, T>G on the plus strand (A>C on the coding strand, the complement: KMT2D is on the minus strand). VCF-style: chr12-49037317-T-G. GRCh37 (hg19) VCF-style: chr12-49431100-T-G.
Other names: short protein forms M3347L.
Identifiers: ClinVar variation 3389649 (VCV003389649.14).